The following is an entry in ClinVar:

NM_014915.3(ANKRD26):c.597A>G (p.Ile199Met)

Gene: ANKRD26 (ankyrin repeat domain 26; minus strand). Cytogenetic location: 10p12.1.
Variant type: single nucleotide variant.
Coding change: c.597A>G on transcript NM_014915.3 (MANE Select); coding-DNA position 597, A replaced by G.
Protein change: p.Ile199Met; replaces isoleucine 199 with methionine.
Molecular consequence: missense variant.
Genome position (GRCh38, 1-based): chr10:27,092,447, T>C on the plus strand (A>G on the coding strand, the complement: ANKRD26 is on the minus strand). VCF-style: chr10-27092447-T-C. GRCh37 (hg19) VCF-style: chr10-27381376-T-C.
Other names: c.597A>G, p.Ile199Met (NM_001256053.2); short protein forms I199M.
Identifiers: ClinVar variation 4751584 (VCV004751584.2).

ClinVar aggregate classification (germline): Uncertain significance. Review status: criteria provided, multiple submitters, no conflicts (2 of 4 stars). 2 submissions from 2 submitters: Uncertain significance (2). Last evaluated 2026-02-15.

Conditions:
Inborn genetic diseases. Identifiers: MedGen C0950123, MeSH D030342.

gnomAD v4.1: 2 of 1,613,680 alleles (0.00012%); highest among the groups gnomAD compares: South Asian, 0.0011%; no homozygotes.

Submissions (2):

Ambry Genetics
Classification: Uncertain significance for Inborn genetic diseases. Last evaluated: 2026-02-15. Review status: criteria provided, single submitter. Criteria: Ambry Variant Classification Scheme 2023. Collection method: clinical testing. Allele origin: germline.
Comment: The p.I199M variant (also known as c.597A>G), located in coding exon 4 of the ANKRD26 gene, results from an A to G substitution at nucleotide position 597. The isoleucine at codon 199 is replaced by methionine, an amino acid with highly similar properties. This amino acid position is conserved. In addition, this alteration is predicted to be tolerated by in silico analysis. Based on the available evidence, the clinical significance of this variant remains unclear.

Labcorp Genetics (formerly Invitae), Labcorp
Classification: Uncertain significance. Last evaluated: 2026-01-14. Review status: criteria provided, single submitter. Criteria: Invitae Variant Classification Sherloc (09022015). Collection method: clinical testing. Allele origin: germline.
Comment: This sequence change replaces isoleucine, which is neutral and non-polar, with methionine, which is neutral and non-polar, at codon 199 of the ANKRD26 protein (p.Ile199Met). This variant is not present in population databases (gnomAD no frequency). This variant has not been reported in the literature in individuals affected with ANKRD26-related conditions. An algorithm developed to predict the effect of missense changes on protein structure and function outputs the following: PolyPhen-2: "Benign". The methionine amino acid residue is found in multiple mammalian species, which suggests that this missense change does not adversely affect protein function. In summary, the available evidence is currently insufficient to determine the role of this variant in disease. Therefore, it has been classified as a Variant of Uncertain Significance.